The following is an entry in ClinVar:

ClinVar aggregate classification (germline): Uncertain significance (1 of 4 stars; one submission).

Conditions:
Hereditary cancer-predisposing syndrome. Also called: Tumor predisposition; Neoplastic Syndromes, Hereditary; Hereditary Cancer Syndrome; Hereditary neoplastic syndrome. Identifiers: Orphanet 140162, MedGen C0027672, MeSH D009386, MONDO:0015356.

Submission:

Ambry Genetics
Classification: Uncertain significance for Hereditary cancer-predisposing syndrome. Last evaluated: 2019-01-07. Review status: criteria provided, single submitter. Criteria: Ambry Variant Classification Scheme 2023. Collection method: clinical testing. Allele origin: germline.
Comment: The c.8104_8106delATA variant (also known as p.I2702del) is located in coding exon 54 of the ATM gene. This variant results from an in-frame ATA deletion at nucleotide positions 8104 to 8106. This results in the in-frame deletion of an isoleucine at codon 2702. This amino acid position is highly conserved in available vertebrate species. Since supporting evidence is limited at this time, the clinical significance of this alteration remains unclear.

NM_000051.4(ATM):c.8101ATA[1] (p.Ile2702del)

Genes: ATM (ATM serine/threonine kinase; plus strand), C11orf65 (chromosome 11 open reading frame 65; minus strand). Cytogenetic location: 11q22.3.
Variant type: Microsatellite.
Coding change: c.8101ATA[1] on transcript NM_000051.4 (MANE Select); one copy of the 3-base unit ATA starting at c.8101; the reference has two copies in a row; one copy, 3 bases deleted.
Protein change: p.Ile2702del; deletes isoleucine 2702.
Molecular consequence: inframe deletion. On other transcripts: inframe indel (1), intron variant (2).
Genome position (GRCh38, 1-based): chr11:108,335,062-108,335,064, ATA deleted; deleting any 3 consecutive bases within chr11:108,335,058-108,335,064 gives the same sequence; the position shown is the placement nearest the transcript's 3' end. VCF-style (leftmost placement, unchanged base first): chr11-108335057-AAAT-A. GRCh37 (hg19) VCF-style: chr11-108205784-AAAT-A.
Other names: c.8104_8106delATA (NM_000051.3); c.8101ATA[1], p.Ile2702del (NM_001351834.2); c.641-25989_641-25987del (NM_001330368.2); c.*38+160_*38+162del (NM_001351110.2); short protein forms I2702del.
Identifiers: ClinVar variation 827456 (VCV000827456.6), dbSNP rs1591191917, ClinGen allele CA915948313.
Genomic context (GRCh38, chr11:108,335,057, plus strand): 5'-TGGTGACTATACAGTCATTTAAAGCAGAATTTCGCTTAGCAGGAGGTGTAAATTTACCAA[AAAT>A]AATAGATTGTGTAGGTTCCGATGGCAAGGAGAGGAGACAGCTTGTTAAGGTGAGCCTTCC-3'